The following is an entry in ClinVar:

ClinVar aggregate classification (germline): Likely benign (1 of 4 stars; one submission).

Conditions:
ISL1-related disorder. Also called: ISL1-related condition.

gnomAD v4.1: 14 of 1,607,400 alleles (0.00087%); highest among the groups gnomAD compares: African/African-American, 0.013%; no homozygotes.

Submission:

PreventionGenetics, part of Exact Sciences
Classification: Likely benign for ISL1-related condition. Last evaluated: 2025-10-02. Review status: criteria provided, single submitter. Criteria: ACMG Guidelines, 2015. Collection method: clinical testing. Allele origin: germline.
Comment: This variant is classified as likely benign based on ACMG/AMP sequence variant interpretation guidelines (Richards et al. 2015 PMID: 25741868, with internal and published modifications).

NM_002202.3(ISL1):c.-5C>T

Gene: ISL1 (ISL LIM homeobox 1; plus strand). Cytogenetic location: 5q11.1.
Variant type: single nucleotide variant.
Coding change: c.-5C>T on transcript NM_002202.3 (MANE Select); 5 bases upstream of the start codon, C replaced by T.
Molecular consequence: 5 prime UTR variant.
Genome position (GRCh38, 1-based): chr5:51,383,667, C>T. VCF-style: chr5-51383667-C-T. GRCh37 (hg19) VCF-style: chr5-50679501-C-T.
Identifiers: ClinVar variation 4980784 (VCV004980784.1).
Genomic context (GRCh38, chr5:51,383,667, plus strand): 5'-TCTGTGGGCTGTTCACCAACTGTACAACCACCATTTCACTGTGGACATTACTCCCTCTTA[C>T]AGATATGGGAGACATGGGAGATCCACCAAAAAGTAAGAGGCTATTTTACCTTGTGGGGCT-3'